The following is an entry in ClinVar:

NM_002299.4(LCT):c.730G>A (p.Asp244Asn)

Gene: LCT (lactase; minus strand). Cytogenetic location: 2q21.3.
Variant type: single nucleotide variant.
Coding change: c.730G>A on transcript NM_002299.4 (MANE Select); coding-DNA position 730, G replaced by A.
Protein change: p.Asp244Asn; replaces aspartic acid 244 with asparagine.
Molecular consequence: missense variant.
Genome position (GRCh38, 1-based): chr2:135,829,667, C>T on the plus strand (G>A on the coding strand, the complement: LCT is on the minus strand). VCF-style: chr2-135829667-C-T. GRCh37 (hg19) VCF-style: chr2-136587237-C-T.
Other names: short protein forms D244N.
Identifiers: ClinVar variation 2915749 (VCV002915749.1), dbSNP rs755264033, ClinGen allele CA1888542.

ClinVar aggregate classification (germline): Uncertain significance (1 of 4 stars; one submission).

Allele frequency attached by ClinVar (database versions not stated): TOPMed below 0.00001; ExAC 0.00001.

Submission:

Labcorp Genetics (formerly Invitae), Labcorp
Classification: Uncertain significance. Last evaluated: 2023-09-09. Review status: criteria provided, single submitter. Criteria: Invitae Variant Classification Sherloc (09022015). Collection method: clinical testing. Allele origin: germline.
Comment: In summary, the available evidence is currently insufficient to determine the role of this variant in disease. Therefore, it has been classified as a Variant of Uncertain Significance. An algorithm developed to predict the effect of missense changes on protein structure and function (PolyPhen-2) suggests that this variant is likely to be disruptive. This variant has not been reported in the literature in individuals affected with LCT-related conditions. This variant is present in population databases (rs755264033, gnomAD 0.006%). This sequence change replaces aspartic acid, which is acidic and polar, with asparagine, which is neutral and polar, at codon 244 of the LCT protein (p.Asp244Asn).